The following is an entry in ClinVar:

ClinVar aggregate classification (germline): Likely pathogenic (1 of 4 stars; one submission).

Conditions:
Dilated cardiomyopathy 1G (CMD1G). Identifiers: Orphanet 154, MedGen C1858763, MONDO:0011400, OMIM 604145.
Autosomal recessive limb-girdle muscular dystrophy type 2J (LGMDR10). Also called: Limb-girdle muscular dystrophy, type 2J; MUSCULAR DYSTROPHY, LIMB-GIRDLE, AUTOSOMAL RECESSIVE 10. Identifiers: Orphanet 140922, MedGen C1837342, MONDO:0012127, OMIM 608807.

Submission:

Labcorp Genetics (formerly Invitae), Labcorp
Classification: Likely pathogenic for Dilated cardiomyopathy 1G; Autosomal recessive limb-girdle muscular dystrophy type 2J. Last evaluated: 2024-10-18. Review status: criteria provided, single submitter. Criteria: Invitae Variant Classification Sherloc (09022015). Collection method: clinical testing. Allele origin: germline.
Comment: This sequence change creates a premature translational stop signal (p.Gln15575Profs*11) in the TTN gene. While this is not anticipated to result in nonsense mediated decay, it is expected to create a truncated TTN protein. This variant is not present in population databases (gnomAD no frequency). This variant has not been reported in the literature in individuals affected with TTN-related conditions. This variant is located in the I band of TTN (PMID: 25589632). Truncating variants in this region have been reported in individuals affected with autosomal recessive centronuclear myopathy (PMID: 23975875, internal data). Truncating variants in this region have also been identified in individuals affected with autosomal dominant dilated cardiomyopathy and/or cardio-related conditions (PMID: 27869827, 32964742, internal data). In summary, the currently available evidence indicates that the variant is pathogenic, but additional data are needed to prove that conclusively. Therefore, this variant has been classified as Likely Pathogenic.

Literature cited by the submitters: PubMed 25589632; PubMed 23975875; PubMed 27869827; PubMed 32964742.

NM_001267550.2(TTN):c.46724_46725delinsC (p.Gln15575fs)

Genes: TTN (titin; minus strand), TTN-AS1 (TTN antisense RNA 1; plus strand). Cytogenetic location: 2q31.2.
Variant type: Indel.
Coding change: c.46724_46725delinsC on transcript NM_001267550.2 (MANE Select); coding-DNA positions 46724 to 46725, AA replaced by C.
Protein change: p.Gln15575fs; shifts the reading frame from glutamine 15575.
Molecular consequence: frameshift variant.
Genome position (GRCh38, 1-based): chr2:178,618,825-178,618,826, TT replaced by G on the plus strand (AA replaced by C on the coding strand, the reverse complement: TTN is on the minus strand). VCF-style: chr2-178618825-TT-G. GRCh37 (hg19) VCF-style: chr2-179483552-TT-G.
Other names: c.41801_41802delinsC, p.Gln13934fs (NM_001256850.1); c.19529_19530delinsC, p.Gln6510fs (NM_003319.4); c.39020_39021delinsC, p.Gln13007fs (NM_133378.4); c.19904_19905delinsC, p.Gln6635fs (NM_133432.3); c.20105_20106delinsC, p.Gln6702fs (NM_133437.4); short protein forms Q13007fs, Q6510fs, Q6635fs, Q13934fs, Q6702fs, Q15575fs.
Identifiers: ClinVar variation 581288 (VCV000581288.6), dbSNP rs1559855146, ClinGen allele CA891842990.
Genomic context (GRCh38, chr2:178,618,825, plus strand): 5'-GGGGTAGGCATCATATGGCACCACCATTGTCAGAGGCTTGCCAACATCAACCACAAGGTC[TT>G]GGTCAGCTGTCTTGATTTTTGGTGCAGCTAGTGAGAAAGATAACATGTGAACGCTTTCGA-3'